The following is an entry in ClinVar:

ClinVar aggregate classification (germline): Pathogenic/Likely pathogenic. Review status: criteria provided, multiple submitters, no conflicts (2 of 4 stars). 3 submissions from 3 submitters: Pathogenic (1); Likely pathogenic (2). Last evaluated 2024-01-30.

Conditions:
Muscular dystrophy-dystroglycanopathy (congenital with brain and eye anomalies), type A1 (MDDGA1). Also called: COD-MD SYNDROME; Muscular dystrophy-dystroglycanopathy (congenital with brain and eye anomalies), type A, 1; WALKER-WARBURG SYNDROME OR MUSCLE-EYE-BRAIN DISEASE, POMT1-RELATED; Hydrocephalus, agyria and retinal dysplasia; Hard +/- E syndrome; Warburg syndrome. Identifiers: Orphanet 588, Orphanet 899, MedGen C4284790, MONDO:0009364, OMIM 236670.
Muscular dystrophy-dystroglycanopathy (congenital with impaired intellectual development), type B, 1. Also called: MUSCULAR DYSTROPHY, CONGENITAL, POMT1-RELATED; Muscular dystrophy-dystroglycanopathy (congenital with intellectual disability), type B1. Identifiers: MedGen C5436962, MONDO:0013159, OMIM 613155.
Autosomal recessive limb-girdle muscular dystrophy type 2K. Also called: MUSCULAR DYSTROPHY-DYSTROGLYCANOPATHY (LIMB-GIRDLE), TYPE C, 1; MUSCULAR DYSTROPHY, LIMB-GIRDLE, TYPE 2K. Identifiers: Orphanet 86812, MedGen C1836373, MONDO:0012248, OMIM 609308.
Walker-Warburg congenital muscular dystrophy. Also called: Muscular dystrophy-dystroglycanopathy, type A; Walker-Warburg syndrome. Identifiers: Orphanet 899, MedGen C0265221, MONDO:0000171.

gnomAD v4.1: 18 of 1,613,684 alleles (0.0011%); highest among the groups gnomAD compares: Non-Finnish European, 0.0015%; no homozygotes.

Submissions (3):

Fulgent Genetics
Classification: Likely pathogenic for Muscular dystrophy-dystroglycanopathy (congenital with brain and eye anomalies), type A1; Autosomal recessive limb-girdle muscular dystrophy type 2K; Muscular dystrophy-dystroglycanopathy (congenital with impaired intellectual development), type B, 1. Last evaluated: 2024-01-30. Review status: criteria provided, single submitter. Criteria: ACMG Guidelines, 2015. Collection method: clinical testing. Allele origin: germline.

Labcorp Genetics (formerly Invitae), Labcorp
Classification: Pathogenic for Muscular dystrophy-dystroglycanopathy (congenital with impaired intellectual development), type B, 1; Walker-Warburg congenital muscular dystrophy; Autosomal recessive limb-girdle muscular dystrophy type 2K. Last evaluated: 2024-01-04. Review status: criteria provided, single submitter. Criteria: Invitae Variant Classification Sherloc (09022015). Collection method: clinical testing. Allele origin: germline.
Comment: This sequence change creates a premature translational stop signal (p.Tyr54*) in the POMT1 gene. It is expected to result in an absent or disrupted protein product. Loss-of-function variants in POMT1 are known to be pathogenic (PMID: 12369018, 15637732, 16575835). This variant is not present in population databases (gnomAD no frequency). This variant has not been reported in the literature in individuals affected with POMT1-related conditions. Algorithms developed to predict the effect of sequence changes on RNA splicing suggest that this variant may disrupt the consensus splice site. For these reasons, this variant has been classified as Pathogenic.

Baylor Genetics
Classification: Likely pathogenic for Muscular dystrophy-dystroglycanopathy (congenital with brain and eye anomalies), type A1. Last evaluated: 2023-07-04. Review status: criteria provided, single submitter. Criteria: ACMG Guidelines, 2015. Collection method: clinical testing. Allele origin: unknown.

Literature cited by the submitters: PubMed 12369018 (cited by Labcorp Genetics (formerly Invitae), Labcorp); PubMed 15637732 (cited by Labcorp Genetics (formerly Invitae), Labcorp); PubMed 16575835 (cited by Labcorp Genetics (formerly Invitae), Labcorp).

NM_001077365.2(POMT1):c.162C>A (p.Tyr54Ter)

Gene: POMT1 (protein O-mannosyltransferase 1; plus strand). Cytogenetic location: 9q34.13.
Variant type: single nucleotide variant.
Coding change: c.162C>A on transcript NM_001077365.2 (MANE Select); coding-DNA position 162, C replaced by A.
Protein change: p.Tyr54Ter; replaces tyrosine 54 with a stop codon.
Molecular consequence: nonsense. On other transcripts: 5 prime UTR variant (6), non-coding transcript variant (7), intron variant (9).
Genome position (GRCh38, 1-based): chr9:131,506,153, C>A. VCF-style: chr9-131506153-C-A. GRCh37 (hg19) VCF-style: chr9-134381540-C-A.
Other names: c.-1C>A (NM_001077366.2, NM_001353194.2, NM_001353197.2 and 3 more transcripts); c.162C>A, p.Tyr54Ter (NM_001136113.2, NM_001353193.2, NM_001374690.1 and 1 more transcripts); c.-71-1215C>A (NM_001374691.1, NM_001374692.1); c.123-250C>A (NM_001353196.2); c.-122-250C>A (NM_001353195.2, NM_001353199.2, NM_001136114.2); c.-30+1813C>A (NM_001374695.1); c.-760-250C>A (NM_001411024.1); c.-80-250C>A (NM_001353200.2); and 1 more; short protein forms Y54*.
Identifiers: ClinVar variation 2678006 (VCV002678006.5), dbSNP rs1945764912, ClinGen allele CA375305617.